The following is an entry in ClinVar:

ClinVar aggregate classification (germline): Conflicting classifications of pathogenicity. Review status: criteria provided, conflicting classifications (1 of 4 stars). 8 submissions from 7 submitters: Uncertain significance (5); Likely benign (3). Last evaluated 2026-07-20.

Conditions:
Inborn genetic diseases. Identifiers: MedGen C0950123, MeSH D030342.
COL2A1-related disorder. Also called: COL2A1-related condition; COL2A1-related disorders.
Type 2 collagenopathy. Identifiers: Orphanet 93421, MedGen C2931073, MONDO:0022800.
Stickler syndrome type 1 (STL1). Also called: STICKLER SYNDROME, MEMBRANOUS VITREOUS TYPE; STICKLER SYNDROME, VITREOUS TYPE 1; ARTHROOPHTHALMOPATHY, HEREDITARY PROGRESSIVE; COL2A1-Related Stickler Syndrome. Identifiers: Orphanet 828, Orphanet 90653, MedGen C2020284, MONDO:0007160, OMIM 108300.

Allele frequency attached by ClinVar (database versions not stated): gnomAD 0.00015 and 0.00016; ExAC 0.00007; gnomAD exomes 0.00010 and 0.00021; ESP Exome Variant Server 0.00008; TOPMed 0.00009.
gnomAD v4.1: 336 of 1,614,082 alleles (0.021%); highest among the groups gnomAD compares: Non-Finnish European, 0.026%; 1 homozygote.

Submissions (8):

PreventionGenetics, part of Exact Sciences
Classification: Uncertain significance for COL2A1-related condition. Last evaluated: 2026-07-20. Review status: criteria provided, single submitter. Criteria: ACMG Guidelines, 2015. Collection method: clinical testing. Allele origin: germline.
Comment: The COL2A1 c.4064G>A variant is predicted to result in the amino acid substitution p.Gly1355Asp. This variant was reported in an individual with brain small vessel disease; however, this individual also harbored a de novo pathogenic COL4A1 variant which explained the observed phenotypes (England et al. 2021. PubMed ID: 33057775). This variant impacts a Glycine residue which is NOT in the Gly-X-Y motif in the triple helical domain, where substitutions of glycine residues are usually pathogenic (Barat-Houari et al. 2016. PubMed ID: 26626311). This variant is reported in 0.022% of alleles in individuals of European (Non-Finnish) descent in gnomAD. Although we suspect that this variant may be benign, at this time, the clinical significance of this variant is uncertain due to the absence of conclusive functional and genetic evidence.

Labcorp Genetics (formerly Invitae), Labcorp
Classification: Likely benign. Last evaluated: 2025-11-27. Review status: criteria provided, single submitter. Criteria: Invitae Variant Classification Sherloc (09022015). Collection method: clinical testing. Allele origin: germline.

GeneDx
Classification: Uncertain significance. Last evaluated: 2025-07-14. Review status: criteria provided, single submitter. Criteria: GeneDx Variant Classification Process June 2021. Collection method: clinical testing. Allele origin: germline. Affected: yes.
Comment: Reported with a COL4A1 de novo pathogenic variant in an individual with small vessel cerebral disease, cardiomegaly and right ventricular hypertrophy; however the patient's father carried the COL2A1 variant and was unaffected (PMID: 33057775); Not located in the triple helical region, where the majority of pathogenic missense variants occur (HGMD); In silico analysis supports that this missense variant has a deleterious effect on protein structure/function; This variant is associated with the following publications: (PMID: 33057775)

Ambry Genetics
Classification: Uncertain significance for Inborn genetic diseases. Last evaluated: 2023-06-06. Review status: criteria provided, single submitter. Criteria: Ambry Variant Classification Scheme 2023. Collection method: clinical testing. Allele origin: germline.

Blueprint Genetics
Classification: Likely benign. Last evaluated: 2022-09-02. Review status: criteria provided, single submitter. Criteria: ACMG Guidelines, 2015. Collection method: clinical testing. Allele origin: germline.

Illumina Laboratory Services, Illumina
Classification: Likely benign for Type II Collagenopathies. Last evaluated: 2018-01-12. Review status: criteria provided, single submitter. Criteria: ICSL Variant Classification Criteria 13 December 2019. Collection method: clinical testing. Allele origin: germline.
Comment: This variant was observed in the ICSL laboratory as part of a predisposition screen in an ostensibly healthy population. It had not been previously curated by ICSL or reported in the Human Gene Mutation Database (HGMD: prior to June 1st, 2018), and was therefore a candidate for classification through an automated scoring system. Utilizing variant allele frequency, disease prevalence and penetrance estimates, and inheritance mode, an automated score was calculated to assess if this variant is too frequent to cause the disease. Based on the score and internal cut-off values, a variant classified as likely benign is not then subjected to further curation. The score for this variant resulted in a classification of likely benign for this disease.

Illumina Laboratory Services, Illumina
Classification: Uncertain significance for Stickler syndrome type 1. Last evaluated: 2018-01-12. Review status: criteria provided, single submitter. Criteria: ICSL Variant Classification Criteria 13 December 2019. Collection method: clinical testing. Allele origin: germline.

Eurofins Ntd Llc (ga)
Classification: Uncertain significance. Last evaluated: 2017-08-21. Review status: criteria provided, single submitter. Criteria: EGL Classification Definitions 2015. Collection method: clinical testing. Allele origin: germline. Observed: 2 variant alleles, 2 heterozygotes.

NM_001844.5(COL2A1):c.4064G>A (p.Gly1355Asp)

Gene: COL2A1 (collagen type II alpha 1 chain; minus strand). Cytogenetic location: 12q13.11.
Variant type: single nucleotide variant.
Coding change: c.4064G>A on transcript NM_001844.5 (MANE Select); coding-DNA position 4064, G replaced by A.
Protein change: p.Gly1355Asp; replaces glycine 1355 with aspartic acid.
Molecular consequence: missense variant.
Genome position (GRCh38, 1-based): chr12:47,974,685, C>T on the plus strand (G>A on the coding strand, the complement: COL2A1 is on the minus strand). VCF-style: chr12-47974685-C-T. GRCh37 (hg19) VCF-style: chr12-48368468-C-T.
Other names: c.3857G>A, p.Gly1286Asp (NM_033150.3); short protein forms G1355D, G1286D.
Identifiers: ClinVar variation 93790 (VCV000093790.59), dbSNP rs201646745, ClinGen allele CA221742.